The following is an entry in ClinVar:

ClinVar aggregate classification (germline): Likely benign. Review status: criteria provided, multiple submitters, no conflicts (2 of 4 stars). 2 submissions from 2 submitters: Likely benign (2). Last evaluated 2026-05-12.

Conditions:
CLPP-related disorder. Also called: CLPP-related condition.

Allele frequency attached by ClinVar (database versions not stated): gnomAD 0.00001; gnomAD exomes 0.00002; TOPMed 0.00002; ExAC 0.00003; 1000 Genomes Project 30x 0.00016; 1000 Genomes Project 0.00020.
gnomAD v4.1: 20 of 1,609,378 alleles (0.0012%); highest among the groups gnomAD compares: South Asian, 0.0088%; no homozygotes.

Submissions (2):

PreventionGenetics, part of Exact Sciences
Classification: Likely benign for CLPP-related condition. Last evaluated: 2026-05-12. Review status: criteria provided, single submitter. Criteria: ACMG Guidelines, 2015. Collection method: clinical testing. Allele origin: germline.
Comment: This variant is classified as likely benign based on ACMG/AMP sequence variant interpretation guidelines (Richards et al. 2015 PMID: 25741868, with internal and published modifications).

Labcorp Genetics (formerly Invitae), Labcorp
Classification: Likely benign. Last evaluated: 2024-05-07. Review status: criteria provided, single submitter. Criteria: Invitae Variant Classification Sherloc (09022015). Collection method: clinical testing. Allele origin: germline.

NM_006012.4(CLPP):c.549C>T (p.Gly183=)

Gene: CLPP (caseinolytic mitochondrial matrix peptidase proteolytic subunit; plus strand). Cytogenetic location: 19p13.3.
Variant type: single nucleotide variant.
Coding change: c.549C>T on transcript NM_006012.4 (MANE Select); coding-DNA position 549, C replaced by T.
Protein change: p.Gly183=; no amino-acid change (glycine 183 retained).
Molecular consequence: synonymous variant.
Genome position (GRCh38, 1-based): chr19:6,364,633, C>T. VCF-style: chr19-6364633-C-T. GRCh37 (hg19) VCF-style: chr19-6364644-C-T.
Other names: c.549C>T (NM_006012.2).
Identifiers: ClinVar variation 1401427 (VCV001401427.9), dbSNP rs566689450, ClinGen allele CA9122937.